The following is an entry in ClinVar:

NM_001162383.2(ARHGEF2):c.1721C>T (p.Pro574Leu)

Gene: ARHGEF2 (Rho/Rac guanine nucleotide exchange factor 2; minus strand). Cytogenetic location: 1q22.
Variant type: single nucleotide variant.
Coding change: c.1721C>T on transcript NM_001162383.2 (MANE Select); coding-DNA position 1721, C replaced by T.
Protein change: p.Pro574Leu; replaces proline 574 with leucine.
Molecular consequence: missense variant.
Genome position (GRCh38, 1-based): chr1:155,954,964, G>A on the plus strand (C>T on the coding strand, the complement: ARHGEF2 is on the minus strand). VCF-style: chr1-155954964-G-A. GRCh37 (hg19) VCF-style: chr1-155924755-G-A.
Other names: c.1718C>T, p.Pro573Leu (NM_001162384.2); c.1640C>T, p.Pro547Leu (NM_001350110.2, NM_001350111.2); c.1667C>T, p.Pro556Leu (NM_001350112.2); c.1637C>T, p.Pro546Leu (NM_004723.4); short protein forms P546L, P547L, P556L, P573L, P574L.
Identifiers: ClinVar variation 4845579 (VCV004845579.1).

ClinVar aggregate classification (germline): Uncertain significance (1 of 4 stars; one submission).

Submission:

Greenwood Genetic Center Diagnostic Laboratories, Greenwood Genetic Center
Classification: Uncertain significance. Last evaluated: 2025-10-17. Review status: criteria provided, single submitter. Criteria: ACMG Guidelines, 2015. Collection method: clinical testing. Allele origin: germline. Affected: yes.
Comment: PM2